The following is an entry in ClinVar:

ClinVar aggregate classification (germline): Uncertain significance (1 of 4 stars; one submission).

gnomAD v4.1: 18 of 1,544,956 alleles (0.0012%); highest among the groups gnomAD compares: Middle Eastern, 0.034%; no homozygotes.

Submission:

Labcorp Genetics (formerly Invitae), Labcorp
Classification: Uncertain significance. Last evaluated: 2025-05-30. Review status: criteria provided, single submitter. Criteria: Invitae Variant Classification Sherloc (09022015). Collection method: clinical testing. Allele origin: germline.
Comment: This sequence change affects codon 33 of the LOR mRNA. It is a 'silent' change, meaning that it does not change the encoded amino acid sequence of the LOR protein. This variant is present in population databases (rs569036793, gnomAD 0.01%). This variant has not been reported in the literature in individuals affected with LOR-related conditions. Algorithms developed to predict the effect of sequence changes on RNA splicing suggest that this variant may create or strengthen a splice site. In summary, the available evidence is currently insufficient to determine the role of this variant in disease. Therefore, it has been classified as a Variant of Uncertain Significance.

NM_000427.3(LORICRIN):c.99C>G (p.Gly33=)

Gene: LORICRIN (loricrin cornified envelope precursor protein; plus strand). Cytogenetic location: 1q21.3.
Variant type: single nucleotide variant.
Coding change: c.99C>G on transcript NM_000427.3 (MANE Select); coding-DNA position 99, C replaced by G.
Protein change: p.Gly33=; no amino-acid change (glycine 33 retained).
Molecular consequence: synonymous variant.
Genome position (GRCh38, 1-based): chr1:153,261,048, C>G. VCF-style: chr1-153261048-C-G. GRCh37 (hg19) VCF-style: chr1-153233524-C-G.
Identifiers: ClinVar variation 4736860 (VCV004736860.1).